The following is an entry in ClinVar:

NM_016247.4(IMPG2):c.1636C>T (p.Pro546Ser)

Gene: IMPG2 (interphotoreceptor matrix proteoglycan 2; minus strand). Cytogenetic location: 3q12.3.
Variant type: single nucleotide variant.
Coding change: c.1636C>T on transcript NM_016247.4 (MANE Select); coding-DNA position 1636, C replaced by T.
Protein change: p.Pro546Ser; replaces proline 546 with serine.
Molecular consequence: missense variant.
Genome position (GRCh38, 1-based): chr3:101,244,695, G>A on the plus strand (C>T on the coding strand, the complement: IMPG2 is on the minus strand). VCF-style: chr3-101244695-G-A. GRCh37 (hg19) VCF-style: chr3-100963539-G-A.
Other names: short protein forms P546S.
Identifiers: ClinVar variation 834262 (VCV000834262.9), dbSNP rs1706456441, ClinGen allele CA353860441.

ClinVar aggregate classification (germline): Uncertain significance (1 of 4 stars; one submission).

Submission:

Labcorp Genetics (formerly Invitae), Labcorp
Classification: Uncertain significance. Last evaluated: 2020-06-07. Review status: criteria provided, single submitter. Criteria: Invitae Variant Classification Sherloc (09022015). Collection method: clinical testing. Allele origin: germline.
Comment: In summary, the available evidence is currently insufficient to determine the role of this variant in disease. Therefore, it has been classified as a Variant of Uncertain Significance. Algorithms developed to predict the effect of missense changes on protein structure and function (SIFT, PolyPhen-2, Align-GVGD) all suggest that this variant is likely to be tolerated, but these predictions have not been confirmed by published functional studies and their clinical significance is uncertain. This variant has not been reported in the literature in individuals with IMPG2-related conditions. ClinVar contains an entry for this variant (Variation ID: 834262). This variant is not present in population databases (ExAC no frequency). This sequence change replaces proline with serine at codon 546 of the IMPG2 protein (p.Pro546Ser). The proline residue is highly conserved and there is a moderate physicochemical difference between proline and serine.